The following is an entry in ClinVar:

ClinVar aggregate classification (germline): Uncertain significance (1 of 4 stars; one submission).

Conditions:
Progressive sclerosing poliodystrophy (MTDPS4A). Also called: NEURONAL DEGENERATION OF CHILDHOOD WITH LIVER DISEASE, PROGRESSIVE; Alpers Syndrome; ALPERS DIFFUSE DEGENERATION OF CEREBRAL GRAY MATTER WITH HEPATIC CIRRHOSIS; Alpers-Huttenlocher Syndrome; Mitochondrial DNA Depletion Syndrome 4A; Alpers-Huttenlocher Syndrome (AHS). Identifiers: Orphanet 726, MedGen C0205710, MONDO:0008758, OMIM 203700.

Submission:

Labcorp Genetics (formerly Invitae), Labcorp
Classification: Uncertain significance for Progressive sclerosing poliodystrophy. Last evaluated: 2022-10-25. Review status: criteria provided, single submitter. Criteria: Invitae Variant Classification Sherloc (09022015). Collection method: clinical testing. Allele origin: germline.
Comment: This sequence change replaces glutamic acid, which is acidic and polar, with lysine, which is basic and polar, at codon 231 of the POLG protein (p.Glu231Lys). This variant is not present in population databases (gnomAD no frequency). This variant has not been reported in the literature in individuals affected with POLG-related conditions. Advanced modeling of protein sequence and biophysical properties (such as structural, functional, and spatial information, amino acid conservation, physicochemical variation, residue mobility, and thermodynamic stability) performed at Invitae indicates that this missense variant is not expected to disrupt POLG protein function. In summary, the available evidence is currently insufficient to determine the role of this variant in disease. Therefore, it has been classified as a Variant of Uncertain Significance.

NM_002693.3(POLG):c.691G>A (p.Glu231Lys)

Genes: POLG (DNA polymerase gamma, catalytic subunit; minus strand), POLGARF (POLG alternative reading frame; minus strand). Cytogenetic location: 15q26.1.
Variant type: single nucleotide variant.
Coding change: c.691G>A on transcript NM_002693.3 (MANE Select); coding-DNA position 691, G replaced by A.
Protein change: p.Glu231Lys; replaces glutamic acid 231 with lysine.
Molecular consequence: missense variant.
Genome position (GRCh38, 1-based): chr15:89,330,245, C>T on the plus strand (G>A on the coding strand, the complement: POLG is on the minus strand). VCF-style: chr15-89330245-C-T. GRCh37 (hg19) VCF-style: chr15-89873476-C-T.
Other names: c.691G>A, p.Glu231Lys (NM_001126131.2); short protein forms E231K.
Identifiers: ClinVar variation 1722143 (VCV001722143.6), dbSNP rs2509265902, ClinGen allele CA393767215.